The following is an entry in ClinVar:

NM_001197104.2(KMT2A):c.10783G>A (p.Asp3595Asn)

Gene: KMT2A (lysine methyltransferase 2A; plus strand). Cytogenetic location: 11q23.3.
Variant type: single nucleotide variant.
Coding change: c.10783G>A on transcript NM_001197104.2 (MANE Select); coding-DNA position 10783, G replaced by A.
Protein change: p.Asp3595Asn; replaces aspartic acid 3595 with asparagine.
Molecular consequence: missense variant.
Genome position (GRCh38, 1-based): chr11:118,507,557, G>A. VCF-style: chr11-118507557-G-A. GRCh37 (hg19) VCF-style: chr11-118378272-G-A.
Other names: c.10774G>A, p.Asp3592Asn (NM_005933.4); short protein forms D3592N, D3595N.
Identifiers: ClinVar variation 1474404 (VCV001474404.9), dbSNP rs782557321, ClinGen allele CA6304821.

ClinVar aggregate classification (germline): Conflicting classifications of pathogenicity. Review status: criteria provided, conflicting classifications (1 of 4 stars). 2 submissions from 2 submitters: Uncertain significance (1); Likely benign (1). Last evaluated 2025-09-02.

Allele frequency attached by ClinVar (database versions not stated): ExAC 0.00001; gnomAD exomes 0.00001 and 0.00002; gnomAD 0.00002 and 0.00003; TOPMed 0.00002.

Submissions (2):

Labcorp Genetics (formerly Invitae), Labcorp
Classification: Uncertain significance. Last evaluated: 2025-09-02. Review status: criteria provided, single submitter. Criteria: Invitae Variant Classification Sherloc (09022015). Collection method: clinical testing. Allele origin: germline.
Comment: This sequence change replaces aspartic acid, which is acidic and polar, with asparagine, which is neutral and polar, at codon 3595 of the KMT2A protein (p.Asp3595Asn). This variant is present in population databases (rs782557321, gnomAD 0.006%). This variant has not been reported in the literature in individuals affected with KMT2A-related conditions. ClinVar contains an entry for this variant (Variation ID: 1474404). Invitae Evidence Modeling of protein sequence and biophysical properties (such as structural, functional, and spatial information, amino acid conservation, physicochemical variation, residue mobility, and thermodynamic stability) indicates that this missense variant is not expected to disrupt KMT2A protein function with a negative predictive value of 95%. In summary, the available evidence is currently insufficient to determine the role of this variant in disease. Therefore, it has been classified as a Variant of Uncertain Significance.

Blueprint Genetics
Classification: Likely benign. Last evaluated: 2024-09-06. Review status: criteria provided, single submitter. Criteria: ACMG Guidelines, 2015. Collection method: clinical testing. Allele origin: germline.